The following is an entry in ClinVar:

ClinVar aggregate classification (germline): Pathogenic/Likely pathogenic. Review status: criteria provided, multiple submitters, no conflicts (2 of 4 stars). 6 submissions from 6 submitters: Pathogenic (2); Likely pathogenic (2). 2 of the submissions do not count toward it. Last evaluated 2025-06-12.

Conditions:
Focal segmental glomerulosclerosis 5 (FSGS5). Identifiers: Orphanet 656, MedGen C2750475, MONDO:0013191, OMIM 613237.
Charcot-Marie-Tooth disease dominant intermediate E. Also called: CHARCOT-MARIE-TOOTH NEUROPATHY WITH FOCAL SEGMENTAL GLOMERULONEPHRITIS. Identifiers: Orphanet 93114, MedGen C4302667, MONDO:0013758, OMIM 614455.

Submissions (6):

Labcorp Genetics (formerly Invitae), Labcorp
Classification: Pathogenic for Charcot-Marie-Tooth disease dominant intermediate E; Focal segmental glomerulosclerosis 5. Last evaluated: 2025-06-12. Review status: criteria provided, single submitter. Criteria: Invitae Variant Classification Sherloc (09022015). Collection method: clinical testing. Allele origin: germline.
Comment: This sequence change replaces arginine, which is basic and polar, with tryptophan, which is neutral and slightly polar, at codon 218 of the INF2 protein (p.Arg218Trp). This variant is not present in population databases (gnomAD no frequency). This missense change has been observed in individual(s) with clinical features of focal segmental glomerulosclerosis (PMID: 20023659, 21866090, 25165188). It has also been observed to segregate with disease in related individuals. ClinVar contains an entry for this variant (Variation ID: 1052). Invitae Evidence Modeling of protein sequence and biophysical properties (such as structural, functional, and spatial information, amino acid conservation, physicochemical variation, residue mobility, and thermodynamic stability) indicates that this missense variant is expected to disrupt INF2 protein function with a positive predictive value of 80%. For these reasons, this variant has been classified as Pathogenic.

Genomic Medicine Center of Excellence, King Faisal Specialist Hospital and Research Centre
Classification: Likely pathogenic for Charcot-Marie-Tooth disease dominant intermediate E. Last evaluated: 2024-03-17. Review status: criteria provided, single submitter. Criteria: ACMG Guidelines, 2015. Collection method: research. Allele origin: germline.

Fulgent Genetics
Classification: Likely pathogenic for Focal segmental glomerulosclerosis 5; Charcot-Marie-Tooth disease dominant intermediate E. Last evaluated: 2024-02-06. Review status: criteria provided, single submitter. Criteria: ACMG Guidelines, 2015. Collection method: clinical testing. Allele origin: germline.

Juno Genomics, Hangzhou Juno Genomics, Inc
Classification: Pathogenic for Charcot-Marie-Tooth disease dominant intermediate E. Review status: criteria provided, single submitter. Criteria: ACMG Guidelines, 2015. Collection method: clinical testing. Allele origin: germline. Affected: yes.
Comment: Absent from controls (or at extremely low frequency if recessive) in Genome Aggregation Database, Exome Sequencing Project, 1000 Genomes Project, or Exome Aggregation Consortium.;Multiple lines of computational evidence support a deleterious effect on the gene or gene product (conservation, evolutionary, splicing impact, etc).;The prevalence of the variant in affected individuals is significantly increased compared to the prevalence in controls.;Co-segregation with disease in multiple affected family members in a gene definitively known to cause the disease.;Patient's phenotype or family history is highly specific for a disease with a single genetic etiology.

Bioscientia Institut fuer Medizinische Diagnostik GmbH, Sonic Healthcare
Classification: Pathogenic for Focal segmental glomerulosclerosis 5. Last evaluated: 2019-01-14. Review status: no assertion criteria provided. Collection method: clinical testing. Allele origin: germline. Affected: yes. Not counted in ClinVar's aggregate classification.

OMIM
Classification: Pathogenic for FOCAL SEGMENTAL GLOMERULOSCLEROSIS 5. Last evaluated: 2010-01-01. Review status: no assertion criteria provided. Collection method: literature only. Allele origin: germline. Not counted in ClinVar's aggregate classification.

Literature cited by the submitters: PubMed 20023659 (cited by Labcorp Genetics (formerly Invitae), Labcorp and OMIM); PubMed 21866090 (cited by Labcorp Genetics (formerly Invitae), Labcorp); PubMed 25165188 (cited by Labcorp Genetics (formerly Invitae), Labcorp).

NM_022489.4(INF2):c.652C>T (p.Arg218Trp)

Gene: INF2 (inverted formin 2; plus strand). Cytogenetic location: 14q32.33.
Variant type: single nucleotide variant.
Coding change: c.652C>T on transcript NM_022489.4 (MANE Select); coding-DNA position 652, C replaced by T.
Protein change: p.Arg218Trp; replaces arginine 218 with tryptophan.
Molecular consequence: missense variant.
Genome position (GRCh38, 1-based): chr14:104,703,439, C>T. VCF-style: chr14-104703439-C-T. GRCh37 (hg19) VCF-style: chr14-105169776-C-T.
Other names: c.652C>T, p.Arg218Trp (NM_001031714.4, NM_032714.3); short protein forms R218W.
Identifiers: ClinVar variation 1052 (VCV000001052.16), dbSNP rs267606878, ClinGen allele CA114724.